The following is an entry in ClinVar:

ClinVar aggregate classification (germline): Benign/Likely benign. Review status: criteria provided, multiple submitters, no conflicts (2 of 4 stars). 3 submissions from 3 submitters: Benign (2); Likely benign (1). Last evaluated 2025-04-09.

Allele frequency attached by ClinVar (database versions not stated): gnomAD 0.00008 and 0.00009; gnomAD exomes 0.00015 and 0.00041; 1000 Genomes Project 30x 0.00016; TOPMed 0.00017; 1000 Genomes Project 0.00020; ExAC 0.00042.
gnomAD v4.1: 232 of 1,613,792 alleles (0.014%); highest among the groups gnomAD compares: Admixed American, 0.18%; no homozygotes.

Submissions (3):

Athena Diagnostics
Classification: Benign. Last evaluated: 2025-04-09. Review status: criteria provided, single submitter. Criteria: Athena Diagnostics Criteria. Collection method: clinical testing. Allele origin: unknown.
Comment: The frequency of this variant in the general population is higher than would generally be expected for pathogenic variants in this gene.

Labcorp Genetics (formerly Invitae), Labcorp
Classification: Benign. Last evaluated: 2024-09-01. Review status: criteria provided, single submitter. Criteria: Invitae Variant Classification Sherloc (09022015). Collection method: clinical testing. Allele origin: germline.

Blueprint Genetics
Classification: Likely benign. Last evaluated: 2022-08-09. Review status: criteria provided, single submitter. Criteria: ACMG Guidelines, 2015. Collection method: clinical testing. Allele origin: germline.

NM_001961.4(EEF2):c.1542G>A (p.Pro514=)

Gene: EEF2 (eukaryotic translation elongation factor 2; minus strand). Cytogenetic location: 19p13.3.
Variant type: single nucleotide variant.
Coding change: c.1542G>A on transcript NM_001961.4 (MANE Select); coding-DNA position 1542, G replaced by A.
Protein change: p.Pro514=; no amino-acid change (proline 514 retained).
Molecular consequence: synonymous variant.
Genome position (GRCh38, 1-based): chr19:3,979,871, C>T on the plus strand (G>A on the coding strand, the complement: EEF2 is on the minus strand). VCF-style: chr19-3979871-C-T. GRCh37 (hg19) VCF-style: chr19-3979869-C-T.
Identifiers: ClinVar variation 718576 (VCV000718576.11), dbSNP rs563924657, ClinGen allele CA9088865.